The following is an entry in ClinVar:

NM_001039213.4(CEACAM16):c.245C>T (p.Thr82Met)

Genes: CEACAM16 (CEA cell adhesion molecule 16, tectorial membrane component; plus strand), CEACAM16-AS1 (CEACAM16, CEACAM19 and PVR antisense RNA 1; minus strand). Cytogenetic location: 19q13.32.
Variant type: single nucleotide variant.
Coding change: c.245C>T on transcript NM_001039213.4 (MANE Select); coding-DNA position 245, C replaced by T.
Protein change: p.Thr82Met; replaces threonine 82 with methionine.
Molecular consequence: missense variant.
Genome position (GRCh38, 1-based): chr19:44,703,556, C>T. VCF-style: chr19-44703556-C-T. GRCh37 (hg19) VCF-style: chr19-45206826-C-T.
Other names: short protein forms T82M.
Identifiers: ClinVar variation 1034399 (VCV001034399.3), dbSNP rs776527204, ClinGen allele CA9502990.

ClinVar aggregate classification (germline): Uncertain significance. Review status: criteria provided, multiple submitters, no conflicts (2 of 4 stars). 3 submissions from 3 submitters: Uncertain significance (3). Last evaluated 2025-08-05.

Conditions:
Inborn genetic diseases. Identifiers: MedGen C0950123, MeSH D030342.
Autosomal dominant nonsyndromic hearing loss 4B. Identifiers: Orphanet 90635, MedGen C3281297, MONDO:0013823, OMIM 614614.

Allele frequency attached by ClinVar (database versions not stated): ExAC 0.00001; gnomAD 0.00001; gnomAD exomes 0.00001.
gnomAD v4.1: 24 of 1,612,520 alleles (0.0015%); highest among the groups gnomAD compares: South Asian, 0.0077%; no homozygotes.

Submissions (3):

Ambry Genetics
Classification: Uncertain significance for Inborn genetic diseases. Last evaluated: 2025-08-05. Review status: criteria provided, single submitter. Criteria: Ambry Variant Classification Scheme 2023. Collection method: clinical testing. Allele origin: germline.

Blueprint Genetics
Classification: Uncertain significance. Last evaluated: 2023-09-19. Review status: criteria provided, single submitter. Criteria: ACMG Guidelines, 2015. Collection method: clinical testing. Allele origin: germline.

Baylor Genetics
Classification: Uncertain significance for Autosomal dominant nonsyndromic hearing loss 4B. Last evaluated: 2018-11-08. Review status: criteria provided, single submitter. Criteria: ACMG Guidelines, 2015. Collection method: clinical testing. Allele origin: paternal. Affected: yes.
Comment: This variant was determined to be of uncertain significance according to ACMG Guidelines, 2015 [PMID:25741868].